The following is an entry in ClinVar:

ClinVar aggregate classification (germline): Uncertain significance (1 of 4 stars; one submission).

Submission:

Labcorp Genetics (formerly Invitae), Labcorp
Classification: Uncertain significance. Last evaluated: 2022-07-19. Review status: criteria provided, single submitter. Criteria: Invitae Variant Classification Sherloc (09022015). Collection method: clinical testing. Allele origin: germline.
Comment: ClinVar contains an entry for this variant (Variation ID: 1475600). In summary, the available evidence is currently insufficient to determine the role of this variant in disease. Therefore, it has been classified as a Variant of Uncertain Significance. Advanced modeling of protein sequence and biophysical properties (such as structural, functional, and spatial information, amino acid conservation, physicochemical variation, residue mobility, and thermodynamic stability) performed at Invitae indicates that this missense variant is not expected to disrupt COL11A1 protein function. This variant has not been reported in the literature in individuals affected with COL11A1-related conditions. This variant is not present in population databases (gnomAD no frequency). This sequence change replaces alanine, which is neutral and non-polar, with serine, which is neutral and polar, at codon 831 of the COL11A1 protein (p.Ala831Ser).

NM_001854.4(COL11A1):c.2491G>T (p.Ala831Ser)

Gene: COL11A1 (collagen type XI alpha 1 chain; minus strand). Cytogenetic location: 1p21.1.
Variant type: single nucleotide variant.
Coding change: c.2491G>T on transcript NM_001854.4 (MANE Select); coding-DNA position 2491, G replaced by T.
Protein change: p.Ala831Ser; replaces alanine 831 with serine.
Molecular consequence: missense variant. On other transcripts: non-coding transcript variant (1).
Genome position (GRCh38, 1-based): chr1:102,987,644, C>A on the plus strand (G>T on the coding strand, the complement: COL11A1 is on the minus strand). VCF-style: chr1-102987644-C-A. GRCh37 (hg19) VCF-style: chr1-103453200-C-A.
Other names: c.2374G>T, p.Ala792Ser (NM_001190709.2); c.2527G>T, p.Ala843Ser (NM_080629.3); c.2143G>T, p.Ala715Ser (NM_080630.4); short protein forms A715S, A792S, A831S, A843S.
Identifiers: ClinVar variation 1475600 (VCV001475600.6), dbSNP rs2101738084, ClinGen allele CA341165962.
Genomic context (GRCh38, chr1:102,987,644, plus strand): 5'-TGAAACATCAGCTGCAAGAGTACCAGTGAATTTAAAGTCATTTACCAACCTTTTCTCCTG[C>A]TTGACCTGAAGGACCTGGGTCTCCAGTTGGGCCTGCTCGACCTTTGGGTCCTTCAGGGCC-3'
Protein context (NP_001845.3, residues 821-841): PTGDPGPSGQ[Ala831Ser]GEKGKLGVPG